The following is an entry in ClinVar:

ClinVar aggregate classification (germline): Uncertain significance. Review status: criteria provided, multiple submitters, no conflicts (2 of 4 stars). 3 submissions from 3 submitters: Uncertain significance (2). 1 of the submissions does not count toward it. Last evaluated 2025-09-09.

Conditions:
Maple syrup urine disease (MSUD). Identifiers: Orphanet 511, MedGen C0024776, MeSH D008375, MONDO:0009563. Disease mechanism: loss of function.
Inborn genetic diseases. Identifiers: MedGen C0950123, MeSH D030342.
Maple syrup urine disease type 1A (MSUD1A). Also called: MSUD type 1A. Identifiers: MedGen C1855369, MONDO:0023691, OMIM 248600.

Allele frequency attached by ClinVar (database versions not stated): gnomAD exomes 0.00002; TOPMed 0.00004; gnomAD 0.00005.
gnomAD v4.1: 19 of 1,572,196 alleles (0.0012%); highest among the groups gnomAD compares: Admixed American, 0.017%; no homozygotes.

Submissions (3):

Ambry Genetics
Classification: Uncertain significance for Inborn genetic diseases. Last evaluated: 2025-09-09. Review status: criteria provided, single submitter. Criteria: Ambry Variant Classification Scheme 2023. Collection method: clinical testing. Allele origin: germline.

Labcorp Genetics (formerly Invitae), Labcorp
Classification: Uncertain significance for Maple syrup urine disease. Last evaluated: 2021-08-30. Review status: criteria provided, single submitter. Criteria: Invitae Variant Classification Sherloc (09022015). Collection method: clinical testing. Allele origin: germline.
Comment: This sequence change replaces arginine with tryptophan at codon 365 of the BCKDHA protein (p.Arg365Trp). The arginine residue is highly conserved and there is a moderate physicochemical difference between arginine and tryptophan. This variant is not present in population databases (ExAC no frequency). This variant has not been reported in the literature in individuals affected with BCKDHA-related conditions. Algorithms developed to predict the effect of missense changes on protein structure and function (SIFT, PolyPhen-2, Align-GVGD) all suggest that this variant is likely to be disruptive. In summary, the available evidence is currently insufficient to determine the role of this variant in disease. Therefore, it has been classified as a Variant of Uncertain Significance.

Natera, Inc.
Classification: Uncertain significance for Maple syrup urine disease type 1A. Last evaluated: 2020-01-24. Review status: no assertion criteria provided. Collection method: clinical testing. Allele origin: germline. Not counted in ClinVar's aggregate classification.

NM_000709.4(BCKDHA):c.1093C>T (p.Arg365Trp)

Gene: BCKDHA (branched chain keto acid dehydrogenase E1 subunit alpha; plus strand). Cytogenetic location: 19q13.2.
Variant type: single nucleotide variant.
Coding change: c.1093C>T on transcript NM_000709.4 (MANE Select); coding-DNA position 1093, C replaced by T.
Protein change: p.Arg365Trp; replaces arginine 365 with tryptophan.
Molecular consequence: missense variant.
Genome position (GRCh38, 1-based): chr19:41,423,095, C>T. VCF-style: chr19-41423095-C-T. GRCh37 (hg19) VCF-style: chr19-41929000-C-T.
Other names: c.1090C>T, p.Arg364Trp (NM_001164783.2); short protein forms R364W, R365W.
Identifiers: ClinVar variation 970723 (VCV000970723.8), dbSNP rs1218567341, ClinGen allele CA406013951.